The following is an entry in ClinVar:

ClinVar aggregate classification (germline): Pathogenic (1 of 4 stars; one submission).

Submission:

Labcorp Genetics (formerly Invitae), Labcorp
Classification: Pathogenic. Last evaluated: 2023-03-03. Review status: criteria provided, single submitter. Criteria: Invitae Variant Classification Sherloc (09022015). Collection method: clinical testing. Allele origin: germline.
Comment: This sequence change creates a premature translational stop signal (p.Lys924*) in the OPA1 gene. It is expected to result in an absent or disrupted protein product. Loss-of-function variants in OPA1 are known to be pathogenic (PMID: 11440988, 20157015, 20952381, 25012220). This variant is not present in population databases (gnomAD no frequency). This variant has not been reported in the literature in individuals affected with OPA1-related conditions. Algorithms developed to predict the effect of sequence changes on RNA splicing suggest that this variant may disrupt the consensus splice site. For these reasons, this variant has been classified as Pathogenic.

Literature cited by the submitters: PubMed 11440988; PubMed 20157015; PubMed 20952381; PubMed 25012220.

NM_130837.3(OPA1):c.2935A>T (p.Lys979Ter)

Gene: OPA1 (OPA1 mitochondrial dynamin like GTPase; plus strand). Cytogenetic location: 3q29.
Variant type: single nucleotide variant.
Coding change: c.2935A>T on transcript NM_130837.3 (MANE Select); coding-DNA position 2935, A replaced by T.
Protein change: p.Lys979Ter; replaces lysine 979 with a stop codon.
Molecular consequence: nonsense.
Genome position (GRCh38, 1-based): chr3:193,667,232, A>T. VCF-style: chr3-193667232-A-T. GRCh37 (hg19) VCF-style: chr3-193385021-A-T.
Other names: c.2401A>T, p.Lys801Ter (NM_001354663.2); c.2398A>T, p.Lys800Ter (NM_001354664.2); c.2770A>T, p.Lys924Ter (NM_015560.3); c.2662A>T, p.Lys888Ter (NM_130831.3); c.2716A>T, p.Lys906Ter (NM_130832.3); c.2773A>T, p.Lys925Ter (NM_130833.3); c.2824A>T, p.Lys942Ter (NM_130834.3); c.2827A>T, p.Lys943Ter (NM_130835.3); and 1 more; short protein forms K906*, K925*, K979*, K800*, K942*, K943*, K801*, K888*.
Identifiers: ClinVar variation 2842654 (VCV002842654.3), dbSNP rs2475205892, ClinGen allele CA355797551.
Genomic context (GRCh38, chr3:193,667,232, plus strand): 5'-AGGCGATTAGAGAAAAATGTTAAAGAGGTATTGGAAGATTTTGCTGAAGATGGTGAGAAG[A>T]AGATTAAATTGCTTACTGGTAAACGCGTTCAACTGGCGGAAGACCTCAGTGAGTAGTTCT-3'